The following is an entry in ClinVar:

ClinVar aggregate classification (germline): Benign. Review status: criteria provided, multiple submitters, no conflicts (2 of 4 stars). 2 submissions from 2 submitters: Benign (2). Last evaluated 2018-06-16.

Allele frequency attached by ClinVar (database versions not stated): ExAC 0.00383; gnomAD exomes 0.00401; gnomAD 0.02113 and 0.02284; 1000 Genomes Project 0.02216; 1000 Genomes Project 30x 0.02311; TOPMed 0.02359.
gnomAD v4.1: 6,000 of 1,533,258 alleles (0.39%); highest among the groups gnomAD compares: African/African-American, 7.3%; 223 homozygotes.

Submissions (2):

GeneDx
Classification: Benign. Last evaluated: 2018-06-16. Review status: criteria provided, single submitter. Criteria: GeneDx Variant Classification (06012015). Collection method: clinical testing. Allele origin: germline. Affected: yes.
Comment: This variant is considered likely benign or benign based on one or more of the following criteria: it is a conservative change, it occurs at a poorly conserved position in the protein, it is predicted to be benign by multiple in silico algorithms, and/or has population frequency not consistent with disease.

Breakthrough Genomics
Classification: Benign. Review status: criteria provided, single submitter. Criteria: ACMG Guidelines, 2015. Collection method: not provided. Allele origin: germline. Inheritance: Autosomal recessive inheritance. Affected: yes.

NM_001199799.2(ILDR1):c.778+37G>A

Gene: ILDR1 (immunoglobulin like domain containing receptor 1; minus strand). Cytogenetic location: 3q13.33.
Variant type: single nucleotide variant.
Coding change: c.778+37G>A on transcript NM_001199799.2 (MANE Select); 37 bases into the intron after coding-DNA position 778, G replaced by A.
Molecular consequence: intron variant.
Genome position (GRCh38, 1-based): chr3:121,994,145, C>T on the plus strand (G>A on the coding strand, the complement: ILDR1 is on the minus strand). VCF-style: chr3-121994145-C-T. GRCh37 (hg19) VCF-style: chr3-121712992-C-T.
Other names: c.511+37G>A (NM_001199800.2); c.647-175G>A (NM_175924.4).
Identifiers: ClinVar variation 678699 (VCV000678699.2), dbSNP rs80084895, ClinGen allele CA2568846.